The following is an entry in ClinVar:

ClinVar aggregate classification (germline): Uncertain significance (1 of 4 stars; one submission).

Conditions:
Dyskeratosis congenita, autosomal dominant 6 (DKCA6). Identifiers: Orphanet 3322, MedGen C4225284, MONDO:0014690, OMIM 616553.

Allele frequency attached by ClinVar (database versions not stated): ExAC 0.00001; gnomAD 0.00001; gnomAD exomes 0.00001; TOPMed 0.00001.

Submission:

Labcorp Genetics (formerly Invitae), Labcorp
Classification: Uncertain significance for Dyskeratosis congenita, autosomal dominant 6. Last evaluated: 2024-11-12. Review status: criteria provided, single submitter. Criteria: Invitae Variant Classification Sherloc (09022015). Collection method: clinical testing. Allele origin: germline.
Comment: This sequence change creates a premature translational stop signal (p.Gln268Argfs*12) in the ACD gene. It is expected to result in an absent or disrupted protein product. However, the current clinical and genetic evidence is not sufficient to establish whether loss-of-function variants in ACD cause disease. This variant is present in population databases (rs756960132, gnomAD 0.004%). This variant has not been reported in the literature in individuals affected with ACD-related conditions. Algorithms developed to predict the effect of sequence changes on RNA splicing suggest that this variant may disrupt the consensus splice site. In summary, the available evidence is currently insufficient to determine the role of this variant in disease. Therefore, it has been classified as a Variant of Uncertain Significance.

NM_001082486.2(ACD):c.545del (p.Gln182fs)

Gene: ACD (ACD shelterin complex subunit and telomerase recruitment factor; minus strand). Cytogenetic location: 16q22.1.
Variant type: Deletion.
Coding change: c.545del on transcript NM_001082486.2 (MANE Select); coding-DNA position 545, one base deleted (A; older notation c.545delA).
Protein change: p.Gln182fs; shifts the reading frame from glutamine 182.
Molecular consequence: frameshift variant.
Genome position (GRCh38, 1-based): chr16:67,659,028, T deleted on the plus strand (A on the coding strand, the reverse complement: ACD is on the minus strand). VCF-style (leftmost placement, unchanged base first): chr16-67659027-CT-C. GRCh37 (hg19) VCF-style: chr16-67692930-CT-C.
Other names: c.536del, p.Gln179fs (NM_022914.3); short protein forms Q179fs, Q182fs.
Identifiers: ClinVar variation 3703283 (VCV003703283.2), dbSNP rs756960132.